The following is an entry in ClinVar:

ClinVar aggregate classification (germline): Likely pathogenic (1 of 4 stars; one submission).

Conditions:
Deficiency of acetyl-CoA acetyltransferase. Also called: Beta-ketothiolase deficiency; 3-KETOTHIOLASE DEFICIENCY; 3-OXOTHIOLASE DEFICIENCY; MITOCHONDRIAL ACETOACETYL-CoA THIOLASE DEFICIENCY. Identifiers: Orphanet 134, MedGen C1536500, MONDO:0008760, OMIM 203750. Disease mechanism: loss of function.

Submission:

Labcorp Genetics (formerly Invitae), Labcorp
Classification: Likely pathogenic for Deficiency of acetyl-CoA acetyltransferase. Last evaluated: 2022-06-25. Review status: criteria provided, single submitter. Criteria: Invitae Variant Classification Sherloc (09022015). Collection method: clinical testing. Allele origin: germline.
Comment: This variant has not been reported in the literature in individuals affected with ACAT1-related conditions. This variant is not present in population databases (gnomAD no frequency). This sequence change affects an acceptor splice site in intron 4 of the ACAT1 gene. It is expected to disrupt RNA splicing. Variants that disrupt the donor or acceptor splice site typically lead to a loss of protein function (PMID: 16199547), and loss-of-function variants in ACAT1 are known to be pathogenic (PMID: 7749408). Algorithms developed to predict the effect of sequence changes on RNA splicing suggest that this variant may disrupt the consensus splice site. In summary, the currently available evidence indicates that the variant is pathogenic, but additional data are needed to prove that conclusively. Therefore, this variant has been classified as Likely Pathogenic.

Literature cited by the submitters: PubMed 16199547; PubMed 7749408.

NM_000019.4(ACAT1):c.335-2A>G

Gene: ACAT1 (acetyl-CoA acetyltransferase 1; plus strand). Cytogenetic location: 11q22.3.
Variant type: single nucleotide variant.
Coding change: c.335-2A>G on transcript NM_000019.4 (MANE Select); the canonical splice acceptor site of the intron before coding-DNA position 335, A replaced by G.
Molecular consequence: splice acceptor variant. On other transcripts: intron variant (1).
Genome position (GRCh38, 1-based): chr11:108,135,140, A>G. VCF-style: chr11-108135140-A-G. GRCh37 (hg19) VCF-style: chr11-108005867-A-G.
Other names: c.65-2A>G (NM_001386682.1, NM_001386681.1, NM_001386685.1 and 6 more transcripts); c.335-2A>G (NM_001386677.1); c.38-2A>G (NM_001386679.1); c.120+3186A>G (NM_001386678.1).
Identifiers: ClinVar variation 2010454 (VCV002010454.4), dbSNP rs2496591603, ClinGen allele CA382506675.